The following is an entry in ClinVar:

NM_015046.7(SETX):c.7549G>A (p.Glu2517Lys)

Gene: SETX (senataxin; minus strand). Cytogenetic location: 9q34.13.
Variant type: single nucleotide variant.
Coding change: c.7549G>A on transcript NM_015046.7 (MANE Select); coding-DNA position 7549, G replaced by A.
Protein change: p.Glu2517Lys; replaces glutamic acid 2517 with lysine.
Molecular consequence: missense variant.
Genome position (GRCh38, 1-based): chr9:132,264,724, C>T on the plus strand (G>A on the coding strand, the complement: SETX is on the minus strand). VCF-style: chr9-132264724-C-T. GRCh37 (hg19) VCF-style: chr9-135140111-C-T.
Other names: c.7549G>A, p.Glu2517Lys (NM_001351527.2); c.7636G>A, p.Glu2546Lys (NM_001351528.2); short protein forms E2517K, E2546K.
Identifiers: ClinVar variation 1990730 (VCV001990730.4), dbSNP rs1842553249, ClinGen allele CA375324804.

ClinVar aggregate classification (germline): Uncertain significance (1 of 4 stars; one submission).

Conditions:
Spinocerebellar ataxia, autosomal recessive, with axonal neuropathy 2 (SCAN2). Also called: Ataxia with Oculomotor Apraxia Type 2; Ataxia-ocular apraxia-2; ATAXIA-OCULOMOTOR APRAXIA 2; Ataxia with Oculomotor Apraxia. Identifiers: Orphanet 64753, MedGen C1853761, MONDO:0018996, OMIM 606002.
Amyotrophic lateral sclerosis type 4 (ALS4). Also called: AMYOTROPHIC LATERAL SCLEROSIS 4, JUVENILE; NEURONOPATHY, DISTAL HEREDITARY MOTOR, WITH PYRAMIDAL FEATURES. Identifiers: Orphanet 357043, MedGen C1865409, MONDO:0011223, OMIM 602433.

Allele frequency attached by ClinVar (database versions not stated): gnomAD exomes below 0.00001; TOPMed below 0.00001.

Submission:

Labcorp Genetics (formerly Invitae), Labcorp
Classification: Uncertain significance for Amyotrophic lateral sclerosis type 4; Spinocerebellar ataxia, autosomal recessive, with axonal neuropathy 2. Last evaluated: 2022-09-13. Review status: criteria provided, single submitter. Criteria: Invitae Variant Classification Sherloc (09022015). Collection method: clinical testing. Allele origin: germline.
Comment: This sequence change replaces glutamic acid, which is acidic and polar, with lysine, which is basic and polar, at codon 2517 of the SETX protein (p.Glu2517Lys). In summary, the available evidence is currently insufficient to determine the role of this variant in disease. Therefore, it has been classified as a Variant of Uncertain Significance. Advanced modeling of protein sequence and biophysical properties (such as structural, functional, and spatial information, amino acid conservation, physicochemical variation, residue mobility, and thermodynamic stability) performed at Invitae indicates that this missense variant is not expected to disrupt SETX protein function. This variant has not been reported in the literature in individuals affected with SETX-related conditions. This variant is not present in population databases (gnomAD no frequency).